The following is an entry in ClinVar:

NM_000075.4(CDK4):c.460G>A (p.Val154Ile)

Gene: CDK4 (cyclin dependent kinase 4; minus strand). Cytogenetic location: 12q14.1.
Variant type: single nucleotide variant.
Coding change: c.460G>A on transcript NM_000075.4 (MANE Select); coding-DNA position 460, G replaced by A.
Protein change: p.Val154Ile; replaces valine 154 with isoleucine.
Molecular consequence: missense variant.
Genome position (GRCh38, 1-based): chr12:57,750,985, C>T on the plus strand (G>A on the coding strand, the complement: CDK4 is on the minus strand). VCF-style: chr12-57750985-C-T. GRCh37 (hg19) VCF-style: chr12-58144768-C-T.
Other names: short protein forms V154I.
Identifiers: ClinVar variation 3230236 (VCV003230236.1), dbSNP rs563692823, ClinGen allele CA385546393.
Genomic context (GRCh38, chr12:57,750,985, plus strand): 5'-CGGGTGTAAGTGCCATCTGGTAGCTGTAGATTCTGGCCAGGCCAAAGTCAGCCAGCTTGA[C>T]TGTTCCACCACTTGTCACCAGAATGTTCTCTGGCTTCAGATCTCGGTGAACGATGCAATT-3'
Protein context (NP_000066.1, residues 144-164): ENILVTSGGT[Val154Ile]KLADFGLARI

ClinVar aggregate classification (germline): Uncertain significance (1 of 4 stars; one submission).

Conditions:
Hereditary cancer-predisposing syndrome. Also called: Neoplastic Syndromes, Hereditary; Tumor predisposition; Hereditary neoplastic syndrome; Hereditary Cancer Syndrome. Identifiers: Orphanet 140162, MedGen C0027672, MeSH D009386, MONDO:0015356.

Submission:

Ambry Genetics
Classification: Uncertain significance for Hereditary cancer-predisposing syndrome. Last evaluated: 2023-12-01. Review status: criteria provided, single submitter. Criteria: Ambry Variant Classification Scheme 2023. Collection method: clinical testing. Allele origin: germline.
Comment: The p.V154I variant (also known as c.460G>A), located in coding exon 3 of the CDK4 gene, results from a G to A substitution at nucleotide position 460. The valine at codon 154 is replaced by isoleucine, an amino acid with highly similar properties. This amino acid position is conserved. In addition, this alteration is predicted to be tolerated by in silico analysis. Since supporting evidence is limited at this time, the clinical significance of this alteration remains unclear.